The following is an entry in ClinVar:

ClinVar aggregate classification (germline): Uncertain significance (1 of 4 stars; one submission).

Submission:

Dasa
Classification: Uncertain significance. Last evaluated: 2025-12-01. Review status: criteria provided, single submitter. Criteria: DASA Assertion Criteria. Collection method: clinical testing. Allele origin: germline.
Comment: NM_002224.4(ITPR3):c.287C>A (p.Ala96Glu) is a missense variant that results in the substitution of alanine with glutamic acid. This variant is absent from population databases. Computational prediction algorithms are consistent with a deleterious effect. The currently available literature and clinical evidence are not sufficient to establish a definitive association between this variant and the reported condition. Therefore, this variant is classified as a variant of uncertain significance.

NM_002224.4(ITPR3):c.287C>A (p.Ala96Glu)

Gene: ITPR3 (inositol 1,4,5-trisphosphate receptor type 3; plus strand). Cytogenetic location: 6p21.31.
Variant type: single nucleotide variant.
Coding change: c.287C>A on transcript NM_002224.4 (MANE Select); coding-DNA position 287, C replaced by A.
Protein change: p.Ala96Glu; replaces alanine 96 with glutamic acid.
Molecular consequence: missense variant.
Genome position (GRCh38, 1-based): chr6:33,657,936, C>A. VCF-style: chr6-33657936-C-A. GRCh37 (hg19) VCF-style: chr6-33625713-C-A.
Other names: short protein forms A96E.
Identifiers: ClinVar variation 4884956 (VCV004884956.2).